The following is an entry in ClinVar:

ClinVar aggregate classification (germline): Uncertain significance (1 of 4 stars; one submission).

Allele frequency attached by ClinVar (database versions not stated): ExAC 0.00001; gnomAD exomes 0.00001; TOPMed 0.00003; gnomAD 0.00005.
gnomAD v4.1: 16 of 1,613,876 alleles (0.00099%); highest among the groups gnomAD compares: African/African-American, 0.013%; no homozygotes.

Submission:

Labcorp Genetics (formerly Invitae), Labcorp
Classification: Uncertain significance. Last evaluated: 2024-10-15. Review status: criteria provided, single submitter. Criteria: Invitae Variant Classification Sherloc (09022015). Collection method: clinical testing. Allele origin: germline.
Comment: This sequence change replaces isoleucine, which is neutral and non-polar, with valine, which is neutral and non-polar, at codon 489 of the DNM1L protein (p.Ile489Val). This variant is present in population databases (rs770290056, gnomAD 0.008%). This variant has not been reported in the literature in individuals affected with DNM1L-related conditions. ClinVar contains an entry for this variant (Variation ID: 1438225). An algorithm developed to predict the effect of missense changes on protein structure and function (PolyPhen-2) suggests that this variant is likely to be tolerated. In summary, the available evidence is currently insufficient to determine the role of this variant in disease. Therefore, it has been classified as a Variant of Uncertain Significance.

NM_012062.5(DNM1L):c.1465A>G (p.Ile489Val)

Gene: DNM1L (dynamin 1 like; plus strand). Cytogenetic location: 12p11.21.
Variant type: single nucleotide variant.
Coding change: c.1465A>G on transcript NM_012062.5 (MANE Select); coding-DNA position 1465, A replaced by G.
Protein change: p.Ile489Val; replaces isoleucine 489 with valine.
Molecular consequence: missense variant.
Genome position (GRCh38, 1-based): chr12:32,733,733, A>G. VCF-style: chr12-32733733-A-G. GRCh37 (hg19) VCF-style: chr12-32886667-A-G.
Other names: c.1465A>G, p.Ile489Val (NM_001278463.2, NM_005690.5, NM_012063.4); c.1504A>G, p.Ile502Val (NM_001278464.2, NM_001278465.2, NM_001330380.2); c.856A>G, p.Ile286Val (NM_001278466.2); short protein forms I286V, I489V, I502V.
Identifiers: ClinVar variation 1438225 (VCV001438225.8), dbSNP rs770290056, ClinGen allele CA6507566.
Genomic context (GRCh38, chr12:32,733,733, plus strand): 5'-TTGATGTATTTTTGTATATCGCCTAACTTACTTTTTTTCTAGGTCCATAACTTAGTGGCA[A>G]TTGAACTGGCTTATATCAACACAAAACATCCAGACTTTGCTGATGCTTGTGGGCTAATGA-3'
Protein context (NP_036192.2, residues 479-499): TNEMVHNLVA[Ile489Val]ELAYINTKHP